The following is an entry in ClinVar:

ClinVar aggregate classification (germline): Pathogenic (1 of 4 stars; one submission).

Conditions:
Familial cancer of breast. Also called: hereditary breast carcinoma; Hereditary breast cancer; BREAST CANCER, FAMILIAL. Identifiers: Orphanet 227535, MedGen C0346153, MONDO:0016419, OMIM 114480. Disease mechanism: loss of function.

Submission:

Labcorp Genetics (formerly Invitae), Labcorp
Classification: Pathogenic for Familial cancer of breast. Last evaluated: 2022-09-20. Review status: criteria provided, single submitter. Criteria: Invitae Variant Classification Sherloc (09022015). Collection method: clinical testing. Allele origin: germline.
Comment: This variant is not present in population databases (gnomAD no frequency). This sequence change creates a premature translational stop signal (p.Cys385*) in the CHEK2 gene. It is expected to result in an absent or disrupted protein product. Loss-of-function variants in CHEK2 are known to be pathogenic (PMID: 21876083, 24713400). For these reasons, this variant has been classified as Pathogenic. ClinVar contains an entry for this variant (Variation ID: 1075973). This variant has not been reported in the literature in individuals affected with CHEK2-related conditions.

Literature cited by the submitters: PubMed 21876083; PubMed 24713400.

NM_007194.4(CHEK2):c.1155T>A (p.Cys385Ter)

Gene: CHEK2 (checkpoint kinase 2; minus strand). Cytogenetic location: 22q12.1.
Variant type: single nucleotide variant.
Coding change: c.1155T>A on transcript NM_007194.4 (MANE Select); coding-DNA position 1155, T replaced by A.
Protein change: p.Cys385Ter; replaces cysteine 385 with a stop codon.
Molecular consequence: nonsense.
Genome position (GRCh38, 1-based): chr22:28,695,814, A>T on the plus strand (T>A on the coding strand, the complement: CHEK2 is on the minus strand). VCF-style: chr22-28695814-A-T. GRCh37 (hg19) VCF-style: chr22-29091802-A-T.
Other names: c.954T>A, p.Cys318Ter (NM_001349956.3); c.1068T>A, p.Cys356Ter (NM_145862.3); c.1284T>A, p.Cys428Ter (NM_001005735.3); c.492T>A, p.Cys164Ter (NM_001257387.3); short protein forms C164*, C318*, C356*, C385*, C428*.
Identifiers: ClinVar variation 1075973 (VCV001075973.8), dbSNP rs2145805017, ClinGen allele CA411096881.